The following is an entry in ClinVar:

NM_001378454.1(ALMS1):c.12236T>A (p.Leu4079Gln)

Genes: ALMS1 (ALMS1 centrosome and basal body associated protein; plus strand), LOC126806252 (BRD4-independent group 4 enhancer GRCh37_chr2:73828496-73829695; plus strand). Cytogenetic location: 2p13.1.
Variant type: single nucleotide variant.
Coding change: c.12236T>A on transcript NM_001378454.1 (MANE Select); coding-DNA position 12236, T replaced by A.
Protein change: p.Leu4079Gln; replaces leucine 4079 with glutamine.
Molecular consequence: missense variant.
Genome position (GRCh38, 1-based): chr2:73,602,306, T>A. VCF-style: chr2-73602306-T-A. GRCh37 (hg19) VCF-style: chr2-73829433-T-A.
Other names: c.12239T>A, p.Leu4080Gln (NM_015120.4); short protein forms L4079Q, L4080Q.
Identifiers: ClinVar variation 5036224 (VCV005036224.1).

ClinVar aggregate classification (germline): Uncertain significance (1 of 4 stars; one submission).

Conditions:
Cardiovascular phenotype. Identifiers: MedGen CN230736.

gnomAD v4.1: 2 of 1,614,112 alleles (0.00012%); highest among the groups gnomAD compares: African/African-American, 0.0027%; no homozygotes.

Submission:

Ambry Genetics
Classification: Uncertain significance for Cardiovascular phenotype. Last evaluated: 2026-09-08. Review status: criteria provided, single submitter. Criteria: Ambry Variant Classification Scheme 2023. Collection method: clinical testing. Allele origin: germline.
Comment: The p.L4080Q variant (also known as c.12239T>A), located in coding exon 20 of the ALMS1 gene, results from a T to A substitution at nucleotide position 12239. The leucine at codon 4080 is replaced by glutamine, an amino acid with dissimilar properties. This amino acid position is highly conserved in available vertebrate species. In addition, this alteration is predicted to be deleterious by in silico analysis. Based on the available evidence, the clinical significance of this variant remains unclear.